The following is an entry in ClinVar:

NM_000237.3(LPL):c.*1846C>T

Gene: LPL (lipoprotein lipase; plus strand). Cytogenetic location: 8p21.3.
Variant type: single nucleotide variant.
Coding change: c.*1846C>T on transcript NM_000237.3 (MANE Select); 1846 bases downstream of the stop codon, C replaced by T.
Molecular consequence: 3 prime UTR variant.
Genome position (GRCh38, 1-based): chr8:19,967,156, C>T. VCF-style: chr8-19967156-C-T. GRCh37 (hg19) VCF-style: chr8-19824667-C-T.
Identifiers: ClinVar variation 362452 (VCV000362452.9), dbSNP rs15285, ClinGen allele CA10630657.

ClinVar aggregate classification (germline): Benign. Review status: criteria provided, multiple submitters, no conflicts (2 of 4 stars). 3 submissions from 3 submitters: Benign (3). Last evaluated 2018-08-30.

Conditions:
Hyperlipoproteinemia, type I. Also called: Lipoprotein Lipase Deficiency; Lipase D deficiency; Familial hyperlipo-proteinemia type 1; Hyperlipemia essential familial; Familial Lipoprotein Lipase Deficiency; Hyperlipoproteinemia type 1. Identifiers: Orphanet 309015, Orphanet 444490, MedGen C0023817, MONDO:0009387, OMIM 238600. Disease mechanism: loss of function.

Allele frequency attached by ClinVar (database versions not stated): gnomAD 0.35731 and 0.34982; 1000 Genomes Project 30x 0.34354; gnomAD exomes 0.27336; 1000 Genomes Project 0.33307; TOPMed 0.36022.
gnomAD v4.1: 53,331 of 152,408 alleles (35%); highest among the groups gnomAD compares: African/African-American, 51%; 10,215 homozygotes.

Submissions (3):

GeneDx
Classification: Benign. Last evaluated: 2018-08-30. Review status: criteria provided, single submitter. Criteria: GeneDx Variant Classification Process June 2021. Collection method: clinical testing. Allele origin: germline. Affected: yes.

Illumina Laboratory Services, Illumina
Classification: Benign for Hyperlipoproteinemia, type I. Last evaluated: 2018-01-13. Review status: criteria provided, single submitter. Criteria: ICSL Variant Classification Criteria 13 December 2019. Collection method: clinical testing. Allele origin: germline.
Comment: This variant was observed in the ICSL laboratory as part of a predisposition screen in an ostensibly healthy population. It had not been previously curated by ICSL or reported in the Human Gene Mutation Database (HGMD: prior to June 1st, 2018), and was therefore a candidate for classification through an automated scoring system. Utilizing variant allele frequency, disease prevalence and penetrance estimates, and inheritance mode, an automated score was calculated to assess if this variant is too frequent to cause the disease. Based on the score and internal cut-off values, a variant classified as benign is not then subjected to further curation. The score for this variant resulted in a classification of benign for this disease.

Breakthrough Genomics
Classification: Benign. Review status: criteria provided, single submitter. Criteria: ACMG Guidelines, 2015. Collection method: not provided. Allele origin: germline. Inheritance: Autosomal recessive inheritance. Affected: yes.